The following is an entry in ClinVar:

ClinVar aggregate classification (germline): Likely benign. Review status: reviewed by expert panel (3 of 4 stars). 19 submissions from 19 submitters: Likely benign (1). 18 of the submissions do not count toward it. Last evaluated 2017-06-29.

Conditions:
BRCA2-related disorder. Also called: BRCA2-related condition; BRCA2-related disorders. Identifiers: MedGen CN239275.
Hereditary cancer-predisposing syndrome. Also called: Tumor predisposition; Neoplastic Syndromes, Hereditary; Hereditary Cancer Syndrome; Hereditary neoplastic syndrome. Identifiers: Orphanet 140162, MedGen C0027672, MeSH D009386, MONDO:0015356.
Breast and/or ovarian cancer. Identifiers: MedGen CN221562.
Hereditary breast ovarian cancer syndrome. Also called: Hereditary breast and ovarian cancer; Hereditary breast and ovarian cancer syndrome (HBOC); Breast and ovarian cancer; Hereditary breast and/or ovarian cancer syndrome; BRCA1- and BRCA2-Associated Hereditary Breast and Ovarian Cancer; Hereditary breast and ovarian cancer syndrome. Identifiers: Orphanet 145, MedGen C0677776, MeSH D061325, MONDO:0003582. Disease mechanism: loss of function.
Breast-ovarian cancer, familial, susceptibility to, 2 (BROVCA2). Also called: BRCA2 Hereditary Breast and Ovarian Cancer. Identifiers: Orphanet 145, MedGen C2675520, MONDO:0012933, OMIM 612555. Disease mechanism: loss of function.
Familial cancer of breast. Also called: hereditary breast carcinoma; BREAST CANCER, FAMILIAL; Hereditary breast cancer. Identifiers: Orphanet 227535, MedGen C0346153, MONDO:0016419, OMIM 114480. Disease mechanism: loss of function.
Malignant tumor of breast. Also called: Malignant breast neoplasm; Cancer breast. Identifiers: MedGen C0006142, MONDO:0007254. Disease mechanism: loss of function.

Allele frequency attached by ClinVar (database versions not stated): 1000 Genomes Project 30x 0.00031; 1000 Genomes Project 0.00040.

Submissions (19):

Evidence-based Network for the Interpretation of Germline Mutant Alleles (ENIGMA)
Classification: Likely benign for Breast-ovarian cancer, familial, susceptibility to, 2. Last evaluated: 2017-06-29. Review status: reviewed by expert panel. Criteria: ENIGMA BRCA1/2 Classification Criteria (2017-06-29). Collection method: curation. Allele origin: germline.
Comment: Synonymous substitution variant, with low bioinformatic likelihood to result in a splicing aberration (Splicing prior probability 0.02).

CeGaT Center for Human Genetics Tuebingen
Classification: Likely benign. Last evaluated: 2026-04-01. Review status: criteria provided, single submitter. Criteria: CeGaT Center For Human Genetics Tuebingen Variant Classification Criteria Version 2. Collection method: clinical testing. Allele origin: germline. Affected: yes. Observed: 3 variant alleles. Not counted in ClinVar's aggregate classification.
Comment: BRCA2: BP4, BP7

Labcorp Genetics (formerly Invitae), Labcorp
Classification: Benign for Hereditary breast ovarian cancer syndrome. Last evaluated: 2026-02-04. Review status: criteria provided, single submitter. Criteria: Invitae Variant Classification Sherloc (09022015). Collection method: clinical testing. Allele origin: germline. Not counted in ClinVar's aggregate classification.

Center for Genomic Medicine, Rigshospitalet, Copenhagen University Hospital
Classification: Likely benign. Last evaluated: 2025-03-04. Review status: criteria provided, single submitter. Criteria: ACMG Guidelines, 2015. Collection method: clinical testing. Allele origin: germline. Not counted in ClinVar's aggregate classification.

KCCC/NGS Laboratory, Kuwait Cancer Control Center
Classification: Benign for Familial cancer of breast. Last evaluated: 2025-02-01. Review status: criteria provided, single submitter. Criteria: ACMG Guidelines, 2015. Collection method: clinical testing. Allele origin: germline. Affected: no. Not counted in ClinVar's aggregate classification.

Blueprint Genetics
Classification: Likely benign. Last evaluated: 2024-11-20. Review status: criteria provided, single submitter. Criteria: ACMG Guidelines, 2015. Collection method: clinical testing. Allele origin: germline. Not counted in ClinVar's aggregate classification.

Mayo Clinic Laboratories, Mayo Clinic
Classification: Benign. Last evaluated: 2024-10-17. Review status: criteria provided, single submitter. Criteria: ACMG Guidelines, 2015. Collection method: clinical testing. Allele origin: germline. Observed: 2 variant alleles. Not counted in ClinVar's aggregate classification.
Comment: BS1, BP1_strong

Quest Diagnostics Nichols Institute San Juan Capistrano
Classification: Benign. Last evaluated: 2023-01-17. Review status: criteria provided, single submitter. Criteria: Quest Diagnostics criteria. Collection method: clinical testing. Allele origin: unknown. Not counted in ClinVar's aggregate classification.

National Health Laboratory Service, Universitas Academic Hospital and University of the Free State
Classification: Benign for Hereditary breast ovarian cancer syndrome. Last evaluated: 2022-04-19. Review status: criteria provided, single submitter. Criteria: ACMG Guidelines, 2015. Collection method: clinical testing. Allele origin: germline. Affected: yes. Observed: 9 variant alleles. Not counted in ClinVar's aggregate classification.

CHEO Genetics Diagnostic Laboratory, Children's Hospital of Eastern Ontario
Classification: Likely benign for Breast and/or ovarian cancer. Last evaluated: 2022-04-14. Review status: criteria provided, single submitter. Criteria: ACMG Guidelines, 2015. Collection method: clinical testing. Allele origin: germline. Not counted in ClinVar's aggregate classification.

Sema4
Classification: Likely benign for Hereditary cancer-predisposing syndrome. Last evaluated: 2022-01-12. Review status: criteria provided, single submitter. Criteria: Sema4 Curation Guidelines. Collection method: curation. Allele origin: germline. Not counted in ClinVar's aggregate classification.

Eurofins Ntd Llc (ga)
Classification: Uncertain significance. Last evaluated: 2017-02-13. Review status: criteria provided, single submitter. Criteria: EGL Classification Definitions 2015. Collection method: clinical testing. Allele origin: germline. Observed: 1 variant allele, 1 heterozygote. Not counted in ClinVar's aggregate classification.

Color Diagnostics, LLC DBA Color Health
Classification: Likely benign for Hereditary cancer-predisposing syndrome. Last evaluated: 2016-10-01. Review status: criteria provided, single submitter. Criteria: ACMG Guidelines, 2015. Collection method: clinical testing. Allele origin: germline. Not counted in ClinVar's aggregate classification.

Ambry Genetics
Classification: Likely benign for Hereditary cancer-predisposing syndrome. Last evaluated: 2014-09-22. Review status: criteria provided, single submitter. Criteria: Ambry Variant Classification Scheme 2023. Collection method: clinical testing. Allele origin: germline. Not counted in ClinVar's aggregate classification.

GeneDx
Classification: Benign. Last evaluated: 2014-09-22. Review status: criteria provided, single submitter. Criteria: GeneDx Variant Classification (06012015). Collection method: clinical testing. Allele origin: germline. Affected: yes. Not counted in ClinVar's aggregate classification.
Comment: This variant is considered likely benign or benign based on one or more of the following criteria: it is a conservative change, it occurs at a poorly conserved position in the protein, it is predicted to be benign by multiple in silico algorithms, and/or has population frequency not consistent with disease.

Breakthrough Genomics
Classification: Likely benign. Review status: criteria provided, single submitter. Criteria: ACMG Guidelines, 2015. Collection method: not provided. Allele origin: germline. Inheritance: Autosomal recessive inheritance. Affected: yes. Not counted in ClinVar's aggregate classification.

PreventionGenetics, part of Exact Sciences
Classification: Likely benign for BRCA2-related condition. Last evaluated: 2019-06-12. Review status: no assertion criteria provided. Collection method: clinical testing. Allele origin: germline. Not counted in ClinVar's aggregate classification.
Comment: This variant is classified as likely benign based on ACMG/AMP sequence variant interpretation guidelines (Richards et al. 2015 PMID: 25741868, with internal and published modifications).

Counsyl
Classification: Likely benign for Breast-ovarian cancer, familial, susceptibility to, 2. Last evaluated: 2018-05-18. Review status: no assertion criteria provided. Collection method: clinical testing. Allele origin: unknown. Not counted in ClinVar's aggregate classification.

Department of Pathology and Laboratory Medicine, Sinai Health System
Classification: Benign for Malignant tumor of breast. Review status: no assertion criteria provided. Collection method: clinical testing. Allele origin: unknown. Affected: yes. Study: The Canadian Open Genetics Repository (COGR). Not counted in ClinVar's aggregate classification.
Comment: The p.Val2171Val variant was not identified in the literature, but it was identified in dbSNP (ID: rs206076) â€šÃ„ÃºWith benign, uncertain significance and untested alleleâ€šÃ„Ã¹, Clinvitae database 4X, the ClinVar database with conflicting significance (1X as benign, 1X as likely benign and 2X as uncertain significance), UMD 2X an unknown variantand the Exome Aggregation Consortium (ExAC) database (released Jan 13, 2015) in 4 of 10278 chromosomes (frequency: 0.00038) from a population of African individuals and in 3 of 66608 chromosomes (frequency: 4.50 X 10-3) from a population of European (Non-Finnish) individuals, although this low number of observations and low frequency is not substantive enough to determine the prevalence of the variant in the general population and its relationship to disease. In addition, in silico or computational prediction software programs (SpliceSiteFinder, MaxEntScan, NNSPLICE, GeneSplicer, HumanSpliceFinder) do not predict a difference in splicing. The p.Val2171Val variant is not expected to have clinical significance because it does not result in a change of amino acid and is not located in a known consensus splice site. In summary, based on the above information, we lean towards a more benign role for this variant. This variant is classified as benign.

Literature cited by the submitters: PubMed 28439188 (cited by Quest Diagnostics Nichols Institute San Juan Capistrano); PubMed 30254663 (cited by Quest Diagnostics Nichols Institute San Juan Capistrano); DOI 10.3389/fgene.2022.834265 (cited by National Health Laboratory Service, Universitas Academic Hospital and University of the Free State).

NM_000059.4(BRCA2):c.6513G>T (p.Val2171=)

Gene: BRCA2 (BRCA2 DNA repair associated; plus strand). Cytogenetic location: 13q13.1.
Variant type: single nucleotide variant.
Coding change: c.6513G>T on transcript NM_000059.4 (MANE Select); coding-DNA position 6513, G replaced by T.
Protein change: p.Val2171=; no amino-acid change (valine 2171 retained).
Molecular consequence: synonymous variant.
Genome position (GRCh38, 1-based): chr13:32,340,868, G>T. VCF-style: chr13-32340868-G-T. GRCh37 (hg19) VCF-style: chr13-32915005-G-T.
Other names: p.V2171V:GTG>GTT; NP_000050.3:p.Val2171=; p.Val2171=.
Identifiers: ClinVar variation 182290 (VCV000182290.69), dbSNP rs206076, ClinGen allele CA024128.